The following is an entry in ClinVar:

NM_001164277.2(SLC37A4):c.382-1G>T

Gene: SLC37A4 (solute carrier family 37 member 4; minus strand). Cytogenetic location: 11q23.3.
Variant type: single nucleotide variant.
Coding change: c.382-1G>T on transcript NM_001164277.2 (MANE Select); the canonical splice acceptor site of the intron before coding-DNA position 382, G replaced by T.
Molecular consequence: splice acceptor variant.
Genome position (GRCh38, 1-based): chr11:119,027,873, C>A on the plus strand (G>T on the coding strand, the complement: SLC37A4 is on the minus strand). VCF-style: chr11-119027873-C-A. GRCh37 (hg19) VCF-style: chr11-118898583-C-A.
Other names: c.163-1G>T (NM_001164279.2); c.382-1G>T (NM_001467.6, NM_001164278.2, NM_001164280.2).
Identifiers: ClinVar variation 2678961 (VCV002678961.4), dbSNP rs2497029858, ClinGen allele CA382904285.

ClinVar aggregate classification (germline): Likely pathogenic. Review status: criteria provided, multiple submitters, no conflicts (2 of 4 stars). 2 submissions from 2 submitters: Likely pathogenic (2). Last evaluated 2023-12-04.

Conditions:
Glucose-6-phosphate transport defect (GSD1B). Also called: Glycogen Storage Disease Type Ib; GSD Ib. Identifiers: Orphanet 364, Orphanet 79259, MedGen C0268146, MONDO:0009288, OMIM 232220.

Submissions (2):

Labcorp Genetics (formerly Invitae), Labcorp
Classification: Likely pathogenic for Glucose-6-phosphate transport defect. Last evaluated: 2023-12-04. Review status: criteria provided, single submitter. Criteria: Invitae Variant Classification Sherloc (09022015). Collection method: clinical testing. Allele origin: germline.
Comment: This sequence change affects an acceptor splice site in intron 4 of the SLC37A4 gene. It is expected to disrupt RNA splicing. Variants that disrupt the donor or acceptor splice site typically lead to a loss of protein function (PMID: 16199547), and loss-of-function variants in SLC37A4 are known to be pathogenic (PMID: 9758626, 10940311). This variant is not present in population databases (gnomAD no frequency). This variant has not been reported in the literature in individuals affected with SLC37A4-related conditions. Algorithms developed to predict the effect of sequence changes on RNA splicing suggest that this variant may disrupt the consensus splice site. In summary, the currently available evidence indicates that the variant is pathogenic, but additional data are needed to prove that conclusively. Therefore, this variant has been classified as Likely Pathogenic.

Baylor Genetics
Classification: Likely pathogenic for Glucose-6-phosphate transport defect. Last evaluated: 2023-02-28. Review status: criteria provided, single submitter. Criteria: ACMG Guidelines, 2015. Collection method: clinical testing. Allele origin: unknown.

Literature cited by the submitters: PubMed 16199547 (cited by Labcorp Genetics (formerly Invitae), Labcorp); PubMed 9758626 (cited by Labcorp Genetics (formerly Invitae), Labcorp); PubMed 10940311 (cited by Labcorp Genetics (formerly Invitae), Labcorp).